The following is an entry in ClinVar:

ClinVar aggregate classification (germline): Uncertain significance (1 of 4 stars; one submission).

Allele frequency attached by ClinVar (database versions not stated): gnomAD exomes below 0.00001; TOPMed below 0.00001.
gnomAD v4.1: 2 of 1,613,640 alleles (0.00012%); highest among the groups gnomAD compares: South Asian, 0.0011%; no homozygotes.

Submission:

Labcorp Genetics (formerly Invitae), Labcorp
Classification: Uncertain significance. Last evaluated: 2025-09-20. Review status: criteria provided, single submitter. Criteria: Invitae Variant Classification Sherloc (09022015). Collection method: clinical testing. Allele origin: germline.
Comment: This sequence change replaces glycine, which is neutral and non-polar, with aspartic acid, which is acidic and polar, at codon 683 of the ACO2 protein (p.Gly683Asp). This variant is not present in population databases (gnomAD no frequency). This missense change has been observed in individual(s) with optic atrophy (PMID: 34234304). ClinVar contains an entry for this variant (Variation ID: 1505452). Invitae Evidence Modeling of protein sequence and biophysical properties (such as structural, functional, and spatial information, amino acid conservation, physicochemical variation, residue mobility, and thermodynamic stability) indicates that this missense variant is expected to disrupt ACO2 protein function with a positive predictive value of 80%. In summary, the available evidence is currently insufficient to determine the role of this variant in disease. Therefore, it has been classified as a Variant of Uncertain Significance.

Literature cited by the submitters: PubMed 34234304.

NM_001098.3(ACO2):c.2048G>A (p.Gly683Asp)

Genes: ACO2 (aconitase 2; plus strand), POLR3H (RNA polymerase III subunit H; minus strand). Cytogenetic location: 22q13.2.
Variant type: single nucleotide variant.
Coding change: c.2048G>A on transcript NM_001098.3 (MANE Select); coding-DNA position 2048, G replaced by A.
Protein change: p.Gly683Asp; replaces glycine 683 with aspartic acid.
Molecular consequence: missense variant. On other transcripts: 3 prime UTR variant (5).
Genome position (GRCh38, 1-based): chr22:41,527,382, G>A. VCF-style: chr22-41527382-G-A. GRCh37 (hg19) VCF-style: chr22-41923386-G-A.
Other names: c.*1901C>T (NM_001018050.4, NM_001018052.4, NM_001282884.2 and 2 more transcripts); short protein forms G683D.
Identifiers: ClinVar variation 1505452 (VCV001505452.8), dbSNP rs1296909113, ClinGen allele CA411728990.